The following is an entry in ClinVar:

NM_003488.4(AKAP1):c.239A>G (p.Lys80Arg)

Gene: AKAP1 (A-kinase anchoring protein 1; plus strand). Cytogenetic location: 17q22.
Variant type: single nucleotide variant.
Coding change: c.239A>G on transcript NM_003488.4 (MANE Select); coding-DNA position 239, A replaced by G.
Protein change: p.Lys80Arg; replaces lysine 80 with arginine.
Molecular consequence: missense variant.
Genome position (GRCh38, 1-based): chr17:57,105,703, A>G. VCF-style: chr17-57105703-A-G. GRCh37 (hg19) VCF-style: chr17-55183064-A-G.
Other names: c.239A>G, p.Lys80Arg (NM_001242902.2, NM_001242903.2, NM_001370423.1 and 4 more transcripts); short protein forms K80R.
Identifiers: ClinVar variation 161577 (VCV000161577.2), dbSNP rs148312142, ClinGen allele CA174381.

ClinVar aggregate classification (germline): Uncertain significance (0 of 4 stars; one submission).

Conditions:
Prostate cancer. Also called: Malignant tumor of prostate. Identifiers: Orphanet 1331, MedGen C0376358, MONDO:0008315, HP:0012125.

Allele frequency attached by ClinVar (database versions not stated): gnomAD exomes 0.00002 and 0.00007; gnomAD 0.00001 and 0.00005; ExAC 0.00002; 1000 Genomes Project 30x 0.00047; TOPMed below 0.00001; 1000 Genomes Project 0.00060.
gnomAD v4.1: 109 of 1,614,156 alleles (0.0068%); highest among the groups gnomAD compares: East Asian, 0.24%; no homozygotes.

Submission:

Science for Life laboratory,  Karolinska Institutet
Classification: Uncertain significance for Malignant tumor of prostate. Review status: no assertion criteria provided. Collection method: not provided. Allele origin: somatic.
Comment: TumorID:SWE-1
ClinVar note: Converted during submission from Unknown to Uncertain significance.